The following is an entry in ClinVar:

ClinVar aggregate classification (germline): Uncertain significance. Review status: criteria provided, multiple submitters, no conflicts (2 of 4 stars). 2 submissions from 2 submitters: Uncertain significance (2). Last evaluated 2022-07-06.

Conditions:
Neuropathy, hereditary sensory and autonomic, type 2A (HSAN2A). Also called: MORVAN DISEASE; NEUROPATHY, CONGENITAL SENSORY; NEUROPATHY, HEREDITARY SENSORY RADICULAR, AUTOSOMAL RECESSIVE; NEUROPATHY, HEREDITARY SENSORY, TYPE IIA; NEUROPATHY, PROGRESSIVE SENSORY, OF CHILDREN; WNK1-Related HSAN2 (HSAN2A). Identifiers: Orphanet 970, MedGen C2752089, MONDO:0024309, OMIM 201300.
Pseudohypoaldosteronism type 2C (PHA2C). Also called: Pseudohypoaldosteronism Type IIC. Identifiers: Orphanet 757, Orphanet 88940, MedGen C1840391, MONDO:0013778, OMIM 614492.

Allele frequency attached by ClinVar (database versions not stated): TOPMed below 0.00001; gnomAD 0.00001; gnomAD exomes 0.00001; ExAC 0.00002; ESP Exome Variant Server 0.00008.
gnomAD v4.1: 22 of 1,610,568 alleles (0.0014%); highest among the groups gnomAD compares: Non-Finnish European, 0.0017%; no homozygotes.

Submissions (2):

Labcorp Genetics (formerly Invitae), Labcorp
Classification: Uncertain significance for Neuropathy, hereditary sensory and autonomic, type 2A; Pseudohypoaldosteronism type 2C. Last evaluated: 2022-07-06. Review status: criteria provided, single submitter. Criteria: Invitae Variant Classification Sherloc (09022015). Collection method: clinical testing. Allele origin: germline.
Comment: In summary, the available evidence is currently insufficient to determine the role of this variant in disease. Therefore, it has been classified as a Variant of Uncertain Significance. Advanced modeling of protein sequence and biophysical properties (such as structural, functional, and spatial information, amino acid conservation, physicochemical variation, residue mobility, and thermodynamic stability) performed at Invitae indicates that this missense variant is not expected to disrupt WNK1 protein function. ClinVar contains an entry for this variant (Variation ID: 939078). This variant has not been reported in the literature in individuals affected with WNK1-related conditions. This variant is present in population databases (rs371331153, gnomAD 0.002%). This sequence change replaces serine, which is neutral and polar, with isoleucine, which is neutral and non-polar, at codon 114 of the WNK1 protein (p.Ser114Ile).

Mayo Clinic Laboratories, Mayo Clinic
Classification: Uncertain significance. Last evaluated: 2021-03-15. Review status: criteria provided, single submitter. Criteria: ACMG Guidelines, 2015. Collection method: clinical testing. Allele origin: germline. Observed: 1 variant allele.

NM_018979.4(WNK1):c.341G>T (p.Ser114Ile)

Gene: WNK1 (WNK lysine deficient protein kinase 1; plus strand). Cytogenetic location: 12p13.33.
Variant type: single nucleotide variant.
Coding change: c.341G>T on transcript NM_018979.4 (MANE Select); coding-DNA position 341, G replaced by T.
Protein change: p.Ser114Ile; replaces serine 114 with isoleucine.
Molecular consequence: missense variant.
Genome position (GRCh38, 1-based): chr12:753,906, G>T. VCF-style: chr12-753906-G-T. GRCh37 (hg19) VCF-style: chr12-863072-G-T.
Other names: c.341G>T, p.Ser114Ile (NM_001184985.2, NM_014823.3, NM_213655.5); short protein forms S114I.
Identifiers: ClinVar variation 939078 (VCV000939078.14), dbSNP rs371331153, ClinGen allele CA6381758.